The following is an entry in ClinVar:

NM_004006.3(DMD):c.5182C>T (p.Arg1728Cys)

Gene: DMD (dystrophin; minus strand). Cytogenetic location: Xp21.1.
Variant type: single nucleotide variant.
Coding change: c.5182C>T on transcript NM_004006.3 (MANE Select); coding-DNA position 5182, C replaced by T.
Protein change: p.Arg1728Cys; replaces arginine 1728 with cysteine.
Molecular consequence: missense variant.
Genome position (GRCh38, 1-based): chrX:32,362,931, G>A on the plus strand (C>T on the coding strand, the complement: DMD is on the minus strand). VCF-style: chrX-32362931-G-A. GRCh37 (hg19) VCF-style: chrX-32381048-G-A.
Other names: p.R1728C:CGC>TGC; c.5158C>T, p.Arg1720Cys (NM_000109.4); c.5170C>T, p.Arg1724Cys (NM_004009.3); c.4813C>T, p.Arg1605Cys (NM_004010.3); c.1159C>T, p.Arg387Cys (NM_004011.4); c.1150C>T, p.Arg384Cys (NM_004012.4); short protein forms R1728C, R1605C, R384C, R1720C, R387C, R1724C.
Identifiers: ClinVar variation 94656 (VCV000094656.41), dbSNP rs34102501, ClinGen allele CA285577.

ClinVar aggregate classification (germline): Conflicting classifications of pathogenicity. Review status: criteria provided, conflicting classifications (1 of 4 stars). 18 submissions from 18 submitters: Uncertain significance (1); Benign (8); Likely benign (4). 5 of the submissions do not count toward it. Last evaluated 2026-01-31.

Conditions:
Cardiovascular phenotype. Identifiers: MedGen CN230736.
DMD-related disorder. Also called: DMD-related condition.
Dystrophin deficiency.
Becker muscular dystrophy (BMD). Also called: MUSCULAR DYSTROPHY, PSEUDOHYPERTROPHIC PROGRESSIVE, BECKER TYPE; Becker Muscular Dystrophy (BMD). Identifiers: Orphanet 98895, MedGen C0917713, MONDO:0010311, OMIM 300376.
Cardiomyopathy (CMYO). Also called: Cardiomyopathies. Identifiers: Orphanet 167848, MedGen C0878544, MONDO:0004994, HP:0001638. Inheritance: Various modes of inheritance.
Duchenne muscular dystrophy (DMD). Also called: Duchenne Muscular Dystrophy (DMD); MUSCULAR DYSTROPHY, PSEUDOHYPERTROPHIC PROGRESSIVE, DUCHENNE TYPE. Identifiers: Orphanet 98896, MedGen C0013264, MONDO:0010679, OMIM 310200.
Dilated cardiomyopathy 3B (CMD3B). Also called: CMD3B: DMD-Related Dilated Cardiomyopathy; CARDIOMYOPATHY, DILATED, X-LINKED; DMD-Associated Dilated Cardiomyopathy. Identifiers: Orphanet 154, MedGen C3668940, MONDO:0010542, OMIM 302045.

Allele frequency attached by ClinVar (database versions not stated): gnomAD exomes 0.00078 and 0.00029; TOPMed 0.00374; ExAC 0.00103; ESP Exome Variant Server 0.00312; 1000 Genomes Project 0.00318; gnomAD 0.00297 and 0.00327; 1000 Genomes Project 30x 0.00375.
gnomAD v4.1: 664 of 1,208,526 alleles (0.055%); highest among the groups gnomAD compares: African/African-American, 0.98%; 5 homozygotes.

Submissions (18):

Labcorp Genetics (formerly Invitae), Labcorp
Classification: Benign for Duchenne muscular dystrophy. Last evaluated: 2026-01-31. Review status: criteria provided, single submitter. Criteria: Invitae Variant Classification Sherloc (09022015). Collection method: clinical testing. Allele origin: germline.

ARUP Laboratories, Molecular Genetics and Genomics, ARUP Laboratories
Classification: Benign. Last evaluated: 2025-07-08. Review status: criteria provided, single submitter. Criteria: ARUP Molecular Germline Variant Investigation Process 2024. Collection method: clinical testing. Allele origin: germline.

Molecular Diagnostic Laboratory for Inherited Cardiovascular Disease, Montreal Heart Institute
Classification: Likely benign. Last evaluated: 2025-04-09. Review status: criteria provided, single submitter. Criteria: ACMG Guidelines, 2015. Collection method: clinical testing. Allele origin: germline. Affected: no.

Mayo Clinic Laboratories, Mayo Clinic
Classification: Benign. Last evaluated: 2025-02-10. Review status: criteria provided, single submitter. Criteria: ACMG Guidelines, 2015. Collection method: clinical testing. Allele origin: germline. Observed: 4 variant alleles.
Comment: BA1, BS2

Blueprint Genetics
Classification: Likely benign. Last evaluated: 2024-11-27. Review status: criteria provided, single submitter. Criteria: ACMG Guidelines, 2015. Collection method: clinical testing. Allele origin: germline.

Women's Health and Genetics/Laboratory Corporation of America, LabCorp
Classification: Benign. Last evaluated: 2019-12-13. Review status: criteria provided, single submitter. Criteria: LabCorp Variant Classification Summary - May 2015. Collection method: clinical testing. Allele origin: germline.
Comment: Variant summary: DMD c.5182C>T (p.Arg1728Cys) results in a non-conservative amino acid change located in the central rod domain of the encoded protein sequence. Four of five in-silico tools predict a damaging effect of the variant on protein function. The variant allele was found at a frequency of 0.00099 in 203656 control chromosomes, predominantly at a frequency of 0.0097 within the African or African-American subpopulation in the gnomAD database, including 1 homozygotes. The observed variant frequency within African or African-American control individuals in the gnomAD database is approximately 880 fold of the estimated maximal expected allele frequency for a pathogenic variant in DMD causing Dystrophinopathies phenotype (1.1e-05), strongly suggesting that the variant is a benign polymorphism found primarily in populations of African or African-American origin. To our knowledge, no experimental evidence demonstrating its impact on protein function have been reported. Seven ClinVar submitters (evaluation after 2014) cite the variant as benign (5x) and likely benign (2x). Based on the evidence outlined above, the variant was classified as benign.

Athena Diagnostics
Classification: Benign. Last evaluated: 2019-01-09. Review status: criteria provided, single submitter. Criteria: Athena Diagnostics Criteria. Collection method: clinical testing. Allele origin: germline.

Center for Pediatric Genomic Medicine, Children's Mercy Hospital and Clinics
Classification: Likely benign. Last evaluated: 2017-08-28. Review status: criteria provided, single submitter. Criteria: ACMG Guidelines, 2015. Collection method: clinical testing. Allele origin: germline.

Laboratory for Molecular Medicine, Mass General Brigham Personalized Medicine
Classification: Benign. Last evaluated: 2017-08-10. Review status: criteria provided, single submitter. Criteria: LMM Criteria. Collection method: clinical testing. Allele origin: germline. Observed: 2 variant alleles.
Comment: p.Arg1728Cys in exon 37 of DMD: This variant is classified as benign because it has been identified in 0.9% (180/18042) of African chromosomes, including 48 hem izygotes and 1 homozygote, by the Genome Aggregation Database (gnomAD; dbSNP rs34102501).

Illumina Laboratory Services, Illumina
Classification: Uncertain significance for Dilated cardiomyopathy 3B. Last evaluated: 2017-04-28. Review status: criteria provided, single submitter. Criteria: ICSL Variant Classification Criteria 13 December 2019. Collection method: clinical testing. Allele origin: germline.

Ambry Genetics
Classification: Benign for Cardiovascular phenotype. Last evaluated: 2016-11-03. Review status: criteria provided, single submitter. Criteria: Ambry Variant Classification Scheme 2023. Collection method: clinical testing. Allele origin: germline.

Eurofins Ntd Llc (ga)
Classification: Likely benign. Last evaluated: 2015-09-17. Review status: criteria provided, single submitter. Criteria: EGL Classification Definitions 2015. Collection method: clinical testing. Allele origin: germline. Observed: 3 variant alleles, 1 heterozygote, 2 hemizygotes.

GeneDx
Classification: Benign. Last evaluated: 2015-04-21. Review status: criteria provided, single submitter. Criteria: GeneDx Variant Classification (06012015). Collection method: clinical testing. Allele origin: germline. Affected: yes.
Comment: This variant is considered likely benign or benign based on one or more of the following criteria: it is a conservative change, it occurs at a poorly conserved position in the protein, it is predicted to be benign by multiple in silico algorithms, and/or has population frequency not consistent with disease.

PreventionGenetics, part of Exact Sciences
Classification: Benign for DMD-related condition. Last evaluated: 2019-06-10. Review status: no assertion criteria provided. Collection method: clinical testing. Allele origin: germline. Not counted in ClinVar's aggregate classification.
Comment: This variant is classified as benign based on ACMG/AMP sequence variant interpretation guidelines (Richards et al. 2015 PMID: 25741868, with internal and published modifications).

Natera, Inc.
Classification: Likely benign for Becker muscular dystrophy; Cardiomyopathy; Duchenne muscular dystrophy; Dystrophin deficiency. Last evaluated: 2017-08-09. Review status: no assertion criteria provided. Collection method: clinical testing. Allele origin: germline. Not counted in ClinVar's aggregate classification.

Clinical Genetics DNA and cytogenetics Diagnostics Lab, Erasmus MC, Erasmus Medical Center
Classification: Benign. Review status: no assertion criteria provided. Collection method: clinical testing. Allele origin: germline. Affected: yes. Study: VKGL Data-share Consensus. Not counted in ClinVar's aggregate classification.

Diagnostic Laboratory, Department of Genetics, University Medical Center Groningen
Classification: Likely benign. Review status: no assertion criteria provided. Collection method: clinical testing. Allele origin: germline. Affected: yes. Study: VKGL Data-share Consensus. Not counted in ClinVar's aggregate classification.

Laboratory of Diagnostic Genome Analysis, Leiden University Medical Center (LUMC)
Classification: Likely benign. Review status: no assertion criteria provided. Collection method: clinical testing. Allele origin: germline. Affected: yes. Study: VKGL Data-share Consensus. Not counted in ClinVar's aggregate classification.

Literature cited by the submitters: PubMed 30086531 (cited by Mayo Clinic Laboratories, Mayo Clinic and Athena Diagnostics); PubMed 19937601 (cited by Athena Diagnostics and Laboratory for Molecular Medicine, Mass General Brigham Personalized Medicine).